The following is an entry in ClinVar:

ClinVar aggregate classification (germline): Likely pathogenic (1 of 4 stars; one submission).

Conditions:
Hypertrophic cardiomyopathy 26. Also called: Cardiomyopathy, familial hypertrophic, 26. Identifiers: Orphanet 75249, MedGen C4310749, MONDO:0014883, OMIM 617047.

Submission:

Molecular Genetics Laboratory, Motol Hospital
Classification: Likely pathogenic for Hypertrophic cardiomyopathy 26. Last evaluated: 2026-05-30. Review status: criteria provided, single submitter. Criteria: ACMG Guidelines, 2015. Collection method: clinical testing. Allele origin: germline. Affected: yes. Observed: 2 variant alleles.
Comment: A rare variant not present in non-Finnish European population (gnomAD v4.1.1) (PM2). Rare truncating variants in the FLNC gene are associated with multiple conditions, including autosomal dominant familial hypertrophic cardiomyopathy and dilated cardiomyopathy (PVS1). The variant c.3634_3637del is classified as likely pathogenic.

Literature cited by the submitters: PubMed 31245841; PubMed 34587765.

NM_001458.5(FLNC):c.3634_3637del (p.Tyr1212fs)

Gene: FLNC (filamin C; plus strand). Cytogenetic location: 7q32.1.
Variant type: Deletion.
Coding change: c.3634_3637del on transcript NM_001458.5 (MANE Select); coding-DNA positions 3634 to 3637, 4 bases deleted (TACC; older notation c.3634_3637delTACC).
Protein change: p.Tyr1212fs; shifts the reading frame from tyrosine 1212.
Molecular consequence: frameshift variant.
Genome position (GRCh38, 1-based): chr7:128,845,099-128,845,102, TACC deleted; deleting any 4 consecutive bases within chr7:128,845,096-128,845,102 gives the same sequence; the c. name uses the placement nearest the transcript's 3' end. VCF-style (leftmost placement, unchanged base first): chr7-128845095-CACCT-C. GRCh37 (hg19) VCF-style: chr7-128485149-CACCT-C.
Other names: c.3634_3637del, p.Tyr1212fs (NM_001127487.2); short protein forms Y1212fs.
Identifiers: ClinVar variation 4853826 (VCV004853826.1).